The following is an entry in ClinVar:

ClinVar aggregate classification (germline): Uncertain significance (1 of 4 stars; one submission).

Conditions:
Loeys-Dietz syndrome 2 (LDS2). Also called: TGFBR2-Related Loeys-Dietz Syndrome; Marfan syndrome, type 2 (formerly); AORTIC ANEURYSM, FAMILIAL THORACIC 3; MARFAN SYNDROME, TYPE II; Marfan Syndrome type 2; Marfan like connective tissue disorder. Identifiers: Orphanet 284973, Orphanet 558, MedGen C2674574, MONDO:0012427, OMIM 610168.

Submission:

Labcorp Genetics (formerly Invitae), Labcorp
Classification: Uncertain significance for Loeys-Dietz syndrome 2. Last evaluated: 2022-10-27. Review status: criteria provided, single submitter. Criteria: Invitae Variant Classification Sherloc (09022015). Collection method: clinical testing. Allele origin: unknown.
Comment: In summary, the available evidence is currently insufficient to determine the role of this variant in disease. Therefore, it has been classified as a Variant of Uncertain Significance. This variant has not been reported in the literature in individuals affected with TMPO-related conditions. A copy number gain of the genomic region encompassing the full coding sequence of the TMPO gene has been identified. The boundaries of this event are unknown as they extend beyond the assayed region for this gene and therefore may encompass additional genes. As the precise location of this event is unknown, it may be in tandem or it may be located elsewhere in the genome.

NC_000012.11:g.(?_98909646)_(98928120_?)dup

Gene: TMPO (thymopoietin; plus strand). Cytogenetic location: 12q23.1.
Variant type: Duplication.
Identifiers: ClinVar variation 3244324 (VCV003244324.1).